The following is an entry in ClinVar:

NM_000138.5(FBN1):c.6004C>T (p.Pro2002Ser)

Gene: FBN1 (fibrillin 1; minus strand). Cytogenetic location: 15q21.1.
Variant type: single nucleotide variant.
Coding change: c.6004C>T on transcript NM_000138.5 (MANE Select); coding-DNA position 6004, C replaced by T.
Protein change: p.Pro2002Ser; replaces proline 2002 with serine.
Molecular consequence: missense variant.
Genome position (GRCh38, 1-based): chr15:48,444,574, G>A on the plus strand (C>T on the coding strand, the complement: FBN1 is on the minus strand). VCF-style: chr15-48444574-G-A. GRCh37 (hg19) VCF-style: chr15-48736771-G-A.
Other names: short protein forms P2002S.
Identifiers: ClinVar variation 375299 (VCV000375299.2), dbSNP rs1057519320, ClinGen allele CA16044046.

ClinVar aggregate classification (germline): Likely pathogenic (1 of 4 stars; one submission).

Conditions:
Congenital contractural arachnodactyly (CCA). Also called: Arthrogryposis, distal, type 9; Beals-Hecht syndrome; BEALS SYNDROME. Identifiers: Orphanet 115, MedGen C0220668, MONDO:0007363, OMIM 121050.
Marfan syndrome (MFS). Also called: Marfan syndrome, classic; Marfan syndrome type 1; Marfan's syndrome; MARFAN SYNDROME, TYPE I; FBN1-Related Marfan Syndrome. Identifiers: Orphanet 284963, Orphanet 558, MedGen C0024796, MONDO:0007947, OMIM 154700.

Allele frequency attached by ClinVar (database versions not stated): gnomAD exomes below 0.00001.
gnomAD v4.1: 2 of 1,613,618 alleles (0.00012%); highest among the groups gnomAD compares: South Asian, 0.0011%; no homozygotes.

Submission:

Diagnostics Division, CENTRE FOR DNA FINGERPRINTING AND DIAGNOSTICS
Classification: Likely pathogenic for Marfan syndrome; Congenital contractural arachnodactyly. Last evaluated: 2016-01-01. Review status: criteria provided, single submitter. Criteria: ACMG Guidelines, 2015. Collection method: research. Allele origin: unknown. Affected: yes. Observed: 1 heterozygote.
Comment: Missense variant